The following is an entry in ClinVar:

NM_145239.3(PRRT2):c.793C>A (p.Pro265Thr)

Genes: MVP-DT (MVP divergent transcript; minus strand), PRRT2 (proline rich transmembrane protein 2; plus strand). Cytogenetic location: 16p11.2.
Variant type: single nucleotide variant.
Coding change: c.793C>A on transcript NM_145239.3 (MANE Select); coding-DNA position 793, C replaced by A.
Protein change: p.Pro265Thr; replaces proline 265 with threonine.
Molecular consequence: missense variant.
Genome position (GRCh38, 1-based): chr16:29,813,847, C>A. VCF-style: chr16-29813847-C-A. GRCh37 (hg19) VCF-style: chr16-29825168-C-A.
Other names: c.793C>A, p.Pro265Thr (NM_001256443.2, NM_001256442.2); short protein forms P265T.
Identifiers: ClinVar variation 976350 (VCV000976350.4), dbSNP rs1900112848, ClinGen allele CA395479772.

ClinVar aggregate classification (germline): Uncertain significance. Review status: criteria provided, multiple submitters, no conflicts (2 of 4 stars). 2 submissions from 2 submitters: Uncertain significance (2). Last evaluated 2023-04-08.

Conditions:
Infantile convulsions and choreoathetosis (ICCA). Also called: PAROXYSMAL KINESIGENIC DYSKINESIA WITH INFANTILE CONVULSIONS; PRRT2-Related Paroxysmal Kinesigenic Dyskinesia with Infantile Convulsions (PKD/IC). Identifiers: Orphanet 31709, MedGen C1865926, MONDO:0011178, OMIM 602066.
Episodic kinesigenic dyskinesia (EKD). Also called: Paroxysmal kinesigenic dyskinesia. Identifiers: Orphanet 98809, MedGen C1868682, MONDO:0044202.

Allele frequency attached by ClinVar (database versions not stated): gnomAD exomes below 0.00001.

Submissions (2):

Labcorp Genetics (formerly Invitae), Labcorp
Classification: Uncertain significance for Episodic kinesigenic dyskinesia. Last evaluated: 2023-04-08. Review status: criteria provided, single submitter. Criteria: Invitae Variant Classification Sherloc (09022015). Collection method: clinical testing. Allele origin: germline.
Comment: This sequence change replaces proline, which is neutral and non-polar, with threonine, which is neutral and polar, at codon 265 of the PRRT2 protein (p.Pro265Thr). In summary, the available evidence is currently insufficient to determine the role of this variant in disease. Therefore, it has been classified as a Variant of Uncertain Significance. Advanced modeling of protein sequence and biophysical properties (such as structural, functional, and spatial information, amino acid conservation, physicochemical variation, residue mobility, and thermodynamic stability) has been performed at Invitae for this missense variant, however the output from this modeling did not meet the statistical confidence thresholds required to predict the impact of this variant on PRRT2 protein function. ClinVar contains an entry for this variant (Variation ID: 976350). This variant has not been reported in the literature in individuals affected with PRRT2-related conditions. This variant is not present in population databases (gnomAD no frequency).

Institute of Human Genetics, University of Leipzig Medical Center
Classification: Uncertain significance for Infantile convulsions and choreoathetosis. Last evaluated: 2018-08-28. Review status: criteria provided, single submitter. Criteria: ACMG Guidelines, 2015. Collection method: clinical testing. Allele origin: germline. Affected: yes. Observed: 1 variant allele.